The following is an entry in ClinVar:

ClinVar aggregate classification (germline): Conflicting classifications of pathogenicity. Review status: criteria provided, conflicting classifications (1 of 4 stars). 2 submissions from 2 submitters: Uncertain significance (1); Likely benign (1). Last evaluated 2025-05-30.

Conditions:
Fanconi anemia (FA). Also called: Fanconi's anemia. Identifiers: Orphanet 84, MedGen C0015625, MeSH D005199, MONDO:0019391.

Allele frequency attached by ClinVar (database versions not stated): ExAC 0.00001; gnomAD exomes 0.00001; gnomAD 0.00002.

Submissions (2):

Labcorp Genetics (formerly Invitae), Labcorp
Classification: Likely benign for Fanconi anemia. Last evaluated: 2025-05-30. Review status: criteria provided, single submitter. Criteria: Invitae Variant Classification Sherloc (09022015). Collection method: clinical testing. Allele origin: germline.

Quest Diagnostics Nichols Institute San Juan Capistrano
Classification: Uncertain significance. Last evaluated: 2022-09-15. Review status: criteria provided, single submitter. Criteria: Quest Diagnostics criteria. Collection method: clinical testing. Allele origin: unknown.
Comment: The variant has not been reported in the published literature. The frequency of this variant in the general population, 0.000014 (4/282746 chromosomes), is uninformative in assessment of its pathogenicity. Analysis of this variant using software algorithms for the prediction of the effect of nucleotide changes on FANCA mRNA splicing yielded inconclusive findings . Based on the available information, we are unable to determine the clinical significance of this variant.

NM_000135.4(FANCA):c.2979A>G (p.Gln993=)

Gene: FANCA (FA complementation group A; minus strand). Cytogenetic location: 16q24.3.
Variant type: single nucleotide variant.
Coding change: c.2979A>G on transcript NM_000135.4 (MANE Select); coding-DNA position 2979, A replaced by G.
Protein change: p.Gln993=; no amino-acid change (glutamine 993 retained).
Molecular consequence: synonymous variant.
Genome position (GRCh38, 1-based): chr16:89,758,579, T>C on the plus strand (A>G on the coding strand, the complement: FANCA is on the minus strand). VCF-style: chr16-89758579-T-C. GRCh37 (hg19) VCF-style: chr16-89824987-T-C.
Other names: c.2979A>G (NM_000135.3); c.2979A>G, p.Gln993= (NM_001286167.3).
Identifiers: ClinVar variation 1516237 (VCV001516237.8), dbSNP rs761577170, ClinGen allele CA8251415.